The following is an entry in ClinVar:

ClinVar aggregate classification (germline): Benign. Review status: criteria provided, multiple submitters, no conflicts (2 of 4 stars). 3 submissions from 3 submitters: Benign (3). Last evaluated 2024-01-24.

Allele frequency attached by ClinVar (database versions not stated): 1000 Genomes Project 30x 0.65553; TOPMed 0.70619; 1000 Genomes Project 0.64756.
gnomAD v4.1: 608,276 of 932,048 alleles (65%); highest among the groups gnomAD compares: African/African-American, 87%; 203,093 homozygotes.

Submissions (3):

Unidad de Genómica Garrahan, Hospital de Pediatría Garrahan
Classification: Benign. Last evaluated: 2024-01-24. Review status: criteria provided, single submitter. Criteria: ACMG Guidelines, 2015. Collection method: clinical testing. Allele origin: germline. Affected: no. Observed: 76 variant alleles.
Comment: This variant is classified as Benign based on local population frequency. This variant was detected in 80% of patients studied by a panel of primary immunodeficiencies. Number of patients: 76. Only high quality variants are reported.

GeneDx
Classification: Benign. Last evaluated: 2015-03-03. Review status: criteria provided, single submitter. Criteria: GeneDx Variant Classification Process June 2021. Collection method: clinical testing. Allele origin: germline. Affected: yes.

Breakthrough Genomics
Classification: Benign. Review status: criteria provided, single submitter. Criteria: ACMG Guidelines, 2015. Collection method: not provided. Allele origin: germline. Inheritance: Autosomal recessive inheritance. Affected: yes.

NM_002185.5(IL7R):c.82+74C>G

Gene: IL7R (interleukin 7 receptor; plus strand). Cytogenetic location: 5p13.2.
Variant type: single nucleotide variant.
Coding change: c.82+74C>G on transcript NM_002185.5 (MANE Select); 74 bases into the intron after coding-DNA position 82, C replaced by G.
Molecular consequence: intron variant.
Genome position (GRCh38, 1-based): chr5:35,857,133, C>G. VCF-style: chr5-35857133-C-G. GRCh37 (hg19) VCF-style: chr5-35857235-C-G.
Identifiers: ClinVar variation 1291030 (VCV001291030.5), dbSNP rs1494561, ClinGen allele CA15377305.
Genomic context (GRCh38, chr5:35,857,133, plus strand): 5'-AAGTTTTCTTATGGATTTTGGATTATCTGTAGCATGGTTTCAGGTTATTCAGTTCCCTAA[C>G]AGACCTGAGTCAGGCACTGGGTTTGAATGCAGTTTGAGAATTTCCCACATATTCAGTCAT-3'